The following is an entry in ClinVar:

NM_000346.4(SOX9):c.738del (p.Gln246fs)

Gene: SOX9 (SRY-box transcription factor 9; plus strand). Cytogenetic location: 17q24.3.
Variant type: Deletion.
Coding change: c.738del on transcript NM_000346.4 (MANE Select); coding-DNA position 738, one base deleted (G; older notation c.738delG).
Protein change: p.Gln246fs; shifts the reading frame from glutamine 246.
Molecular consequence: frameshift variant.
Genome position (GRCh38, 1-based): chr17:72,123,595, G deleted. VCF-style (leftmost placement, unchanged base first): chr17-72123594-AG-A. GRCh37 (hg19) VCF-style: chr17-70119735-AG-A.
Other names: short protein forms Q246fs.
Identifiers: ClinVar variation 418969 (VCV000418969.2), dbSNP rs1064793556, ClinGen allele CA16620597.

ClinVar aggregate classification (germline): Pathogenic (1 of 4 stars; one submission).

Submission:

GeneDx
Classification: Pathogenic. Last evaluated: 2015-05-14. Review status: criteria provided, single submitter. Criteria: GeneDx Variant Classification (06012015). Collection method: clinical testing. Allele origin: germline. Affected: yes.
Comment: The c.738delG deletion in the SOX9 gene has not been reported previously as a pathogenic variantnor as a benign polymorphism, to our knowledge. The c.738delG deletion causes a frameshift starting withcodon Glutamine 246, changes this amino acid to a Histidine residue and creates a premature Stop codonat position 7 of the new reading frame, denoted p.Gln246HisfsX7. This variant is predicted to cause lossof normal protein function through protein truncation. The c.738delG deletion was not observed inapproximately 6500 individuals of European and African American ancestry in the NHLBI ExomeSequencing Project, indicating it is not a common benign variant in these populations. We interpretc.738delG as a pathogenic variant.